The following is an entry in ClinVar:

ClinVar aggregate classification (germline): Pathogenic. Review status: criteria provided, multiple submitters, no conflicts (2 of 4 stars). 2 submissions from 2 submitters: Pathogenic (2). Last evaluated 2023-07-14.

Submissions (2):

GeneDx
Classification: Pathogenic. Last evaluated: 2023-07-14. Review status: criteria provided, single submitter. Criteria: GeneDx Variant Classification Process June 2021. Collection method: clinical testing. Allele origin: germline. Affected: yes.
Comment: Nonsense variant predicted to result in protein truncation [or nonsense mediated decay] in a gene for which loss of function is a known mechanism of disease; Not observed at significant frequency in large population cohorts (gnomAD); This variant is associated with the following publications: (PMID: 31949314)

Center for Pediatric Genomic Medicine, Children's Mercy Hospital and Clinics
Classification: Pathogenic. Last evaluated: 2017-04-24. Review status: criteria provided, single submitter. Criteria: ACMG Guidelines, 2015. Collection method: clinical testing. Allele origin: de novo.

NM_020699.4(GATAD2B):c.655C>T (p.Gln219Ter)

Gene: GATAD2B (GATA zinc finger domain containing 2B; minus strand). Cytogenetic location: 1q21.3.
Variant type: single nucleotide variant.
Coding change: c.655C>T on transcript NM_020699.4 (MANE Select); coding-DNA position 655, C replaced by T.
Protein change: p.Gln219Ter; replaces glutamine 219 with a stop codon.
Molecular consequence: nonsense.
Genome position (GRCh38, 1-based): chr1:153,818,114, G>A on the plus strand (C>T on the coding strand, the complement: GATAD2B is on the minus strand). VCF-style: chr1-153818114-G-A. GRCh37 (hg19) VCF-style: chr1-153790590-G-A.
Other names: c.655C>T (NM_020699.2); short protein forms Q219*.
Identifiers: ClinVar variation 445996 (VCV000445996.3), dbSNP rs1553188335, ClinGen allele CA342531960.
Genomic context (GRCh38, chr1:153,818,114, plus strand): 5'-AATTTTGAGGTTCAACCCCTTGGGCCCCAGGCCGAGAGGGAAGCTTAGATAGGCCCTGCT[G>A]TCCCACATGGGCAGGAGATGGCTGAACAATAGATGCTGCATTCTGTACAACTGGAGTCTG-3'